The following is an entry in ClinVar:

ClinVar aggregate classification (germline): Pathogenic (1 of 4 stars; one submission).

Conditions:
Fabry disease. Also called: ALPHA-GALACTOSIDASE A DEFICIENCY; ANDERSON-FABRY DISEASE; CERAMIDE TRIHEXOSIDASE DEFICIENCY; GLA DEFICIENCY; HEREDITARY DYSTOPIC LIPIDOSIS; Angiokeratoma corporis diffusum. Identifiers: Orphanet 324, MedGen C0002986, MONDO:0010526, OMIM 301500, HP:0001071. Disease mechanism: Fabry disease is due to inactivating mutations in the X-linked GLA gene resulting in deficiency of the enzyme Alpha Galactosidase-A., loss of function.

Submission:

Genomenon, Inc
Classification: Pathogenic for Fabry disease. Last evaluated: 2026-09-08. Review status: criteria provided, single submitter. Criteria: Genomenon Sequence Variant Interpretation Standards - Updated. Collection method: curation. Allele origin: germline. Affected: yes.
Comment: GLA p.Asn228LysfsTer4 (c.683dup) is a frameshift variant that is predicted to introduce a premature termination codon and result in a truncated or absent protein product. This variant has been observed in at least one proband with clinical features consistent with Fabry disease (PMID:33204599). Functional or patient cell studies have been reported (PMID:33204599). It is absent or not present at a significant frequency in gnomAD. In conclusion, we classify GLA p.Asn228LysfsTer4 (c.683dup) as a pathogenic variant.

Literature cited by the submitters: PubMed 33204599.

NM_000169.3(GLA):c.683dup (p.Asn228fs)

Genes: GLA (galactosidase alpha; minus strand), RPL36A-HNRNPH2 (RPL36A-HNRNPH2 readthrough; plus strand). Cytogenetic location: Xq22.1.
Variant type: Duplication.
Coding change: c.683dup on transcript NM_000169.3 (MANE Select); coding-DNA position 683, one base duplicated (A; older notation c.683dupA).
Protein change: p.Asn228fs; shifts the reading frame from asparagine 228.
Molecular consequence: frameshift variant. On other transcripts: non-coding transcript variant (3), intron variant (2).
Genome position (GRCh38, 1-based): chrX:101,398,903, T duplicated on the plus strand (A on the coding strand, the reverse complement: GLA is on the minus strand); the first of 3 consecutive T bases (chrX:101,398,903-101,398,905); duplicating any one gives the same sequence. VCF-style (leftmost placement, unchanged base first): chrX-101398902-A-AT. GRCh37 (hg19) VCF-style: chrX-100653890-A-AT.
Other names: c.806dup, p.Asn269fs (NM_001406747.1); c.683dup, p.Asn228fs (NM_001406748.1); c.300+3448dup (NM_001199973.2); c.177+7083dup (NM_001199974.2); short protein forms N228fs, N269fs.
Identifiers: ClinVar variation 4086992 (VCV004086992.2).